The following is an entry in ClinVar:

NM_001040108.2(MLH3):c.1006C>T (p.Leu336Phe)

Gene: MLH3 (mutL homolog 3; minus strand). Cytogenetic location: 14q24.3.
Variant type: single nucleotide variant.
Coding change: c.1006C>T on transcript NM_001040108.2 (MANE Select); coding-DNA position 1006, C replaced by T.
Protein change: p.Leu336Phe; replaces leucine 336 with phenylalanine.
Molecular consequence: missense variant.
Genome position (GRCh38, 1-based): chr14:75,048,650, G>A on the plus strand (C>T on the coding strand, the complement: MLH3 is on the minus strand). VCF-style: chr14-75048650-G-A. GRCh37 (hg19) VCF-style: chr14-75515353-G-A.
Other names: c.1006C>T, p.Leu336Phe (NM_014381.3); short protein forms L336F.
Identifiers: ClinVar variation 3396722 (VCV003396722.1).

ClinVar aggregate classification (germline): Uncertain significance (1 of 4 stars; one submission).

Submission:

Ambry Genetics
Classification: Uncertain significance. Last evaluated: 2024-09-18. Review status: criteria provided, single submitter. Criteria: Ambry Variant Classification Scheme 2023. Collection method: clinical testing. Allele origin: germline.
Comment: The p.L336F variant (also known as c.1006C>T), located in coding exon 1 of the MLH3 gene, results from a C to T substitution at nucleotide position 1006. The leucine at codon 336 is replaced by phenylalanine, an amino acid with highly similar properties. This amino acid position is conserved. In addition, this alteration is predicted to be tolerated by in silico analysis. Based on the available evidence, the clinical significance of this variant remains unclear.